The following is an entry in ClinVar:

ClinVar aggregate classification (germline): Benign/Likely benign. Review status: criteria provided, multiple submitters, no conflicts (2 of 4 stars). 10 submissions from 10 submitters: Benign (1); Likely benign (9). Last evaluated 2025-11-10.

Conditions:
Classic or attenuated familial adenomatous polyposis. Identifiers: MedGen CN372698, MONDO:0021057.
Hereditary cancer-predisposing syndrome. Also called: Hereditary neoplastic syndrome; Hereditary Cancer Syndrome; Neoplastic Syndromes, Hereditary; Tumor predisposition. Identifiers: Orphanet 140162, MedGen C0027672, MeSH D009386, MONDO:0015356.
Familial adenomatous polyposis 1 (FAP1). Also called: FAMILIAL ADENOMATOUS POLYPOSIS 1, ATTENUATED; POLYPOSIS, ADENOMATOUS INTESTINAL. Identifiers: MedGen C2713442, MONDO:0021056, OMIM 175100. Disease mechanism: loss of function.

Allele frequency attached by ClinVar (database versions not stated): ExAC 0.00002; gnomAD 0.00002; TOPMed 0.00003; ESP Exome Variant Server 0.00008.
gnomAD v4.1: 16 of 1,613,724 alleles (0.00099%); highest among the groups gnomAD compares: Admixed American, 0.0017%; no homozygotes.

Submissions (10):

Labcorp Genetics (formerly Invitae), Labcorp
Classification: Likely benign for Familial adenomatous polyposis 1. Last evaluated: 2025-11-10. Review status: criteria provided, single submitter. Criteria: Invitae Variant Classification Sherloc (09022015). Collection method: clinical testing. Allele origin: germline.

Center for Genomic Medicine, Rigshospitalet, Copenhagen University Hospital
Classification: Likely benign. Last evaluated: 2025-03-04. Review status: criteria provided, single submitter. Criteria: ACMG Guidelines, 2015. Collection method: clinical testing. Allele origin: germline.

Myriad Genetics, Inc.
Classification: Benign for Familial adenomatous polyposis 1. Last evaluated: 2024-04-09. Review status: criteria provided, single submitter. Criteria: Myriad Autosomal Dominant, Autosomal Recessive and X-Linked Classification Criteria (2023). Collection method: clinical testing. Allele origin: unknown.
Comment: This variant is considered benign. This variant is a silent/synonymous amino acid change and it is not expected to impact splicing.

All of Us Research Program, National Institutes of Health
Classification: Likely benign for Classic or attenuated familial adenomatous polyposis. Last evaluated: 2023-12-18. Review status: criteria provided, single submitter. Criteria: ACMG Guidelines, 2015. Collection method: clinical testing. Allele origin: germline. Inheritance: Autosomal dominant inheritance. Observed: 4 variant alleles, 4 heterozygotes.
Comment: This study involves interpretation of variants in research participants for the purpose of population health screening. Participant phenotype was not available at the time of variant classification. Additional details can be found in publication PMID: 35346344, PMCID: PMC8962531

Sema4
Classification: Likely benign for Hereditary cancer-predisposing syndrome. Last evaluated: 2021-06-15. Review status: criteria provided, single submitter. Criteria: Sema4 Curation Guidelines. Collection method: curation. Allele origin: germline.

GeneDx
Classification: Likely benign. Last evaluated: 2021-03-22. Review status: criteria provided, single submitter. Criteria: GeneDx Variant Classification Process June 2021. Collection method: clinical testing. Allele origin: germline. Affected: yes.

Department of Pathology and Laboratory Medicine, Sinai Health System
Classification: Likely benign for classic or attenuated familial adenomatous polyposis. Last evaluated: 2020-06-12. Review status: criteria provided, single submitter. Criteria: ACMG Guidelines, 2015. Collection method: clinical testing. Allele origin: germline. Affected: yes.

Quest Diagnostics Nichols Institute San Juan Capistrano
Classification: Likely benign. Last evaluated: 2017-02-13. Review status: criteria provided, single submitter. Criteria: Quest Diagnostics criteria. Collection method: clinical testing. Allele origin: germline.

Color Diagnostics, LLC DBA Color Health
Classification: Likely benign for Hereditary cancer-predisposing syndrome. Last evaluated: 2016-11-12. Review status: criteria provided, single submitter. Criteria: ACMG Guidelines, 2015. Collection method: clinical testing. Allele origin: germline.

Ambry Genetics
Classification: Likely benign for Hereditary cancer-predisposing syndrome. Last evaluated: 2016-05-02. Review status: criteria provided, single submitter. Criteria: Ambry Variant Classification Scheme 2023. Collection method: clinical testing. Allele origin: germline.

NM_000038.6(APC):c.7443T>A (p.Thr2481=)

Gene: APC (APC regulator of Wnt signaling pathway; plus strand). Cytogenetic location: 5q22.2.
Variant type: single nucleotide variant.
Coding change: c.7443T>A on transcript NM_000038.6 (MANE Select); coding-DNA position 7443, T replaced by A.
Protein change: p.Thr2481=; no amino-acid change (threonine 2481 retained).
Molecular consequence: synonymous variant.
Genome position (GRCh38, 1-based): chr5:112,843,037, T>A. VCF-style: chr5-112843037-T-A. GRCh37 (hg19) VCF-style: chr5-112178734-T-A.
Other names: c.7443T>A, p.Thr2481= (NM_001127510.3, NM_001354895.2); c.7389T>A, p.Thr2463= (NM_001127511.3); c.7497T>A, p.Thr2499= (NM_001354896.2); c.7473T>A, p.Thr2491= (NM_001354897.2); c.7368T>A, p.Thr2456= (NM_001354898.2); c.7359T>A, p.Thr2453= (NM_001354899.2); c.7320T>A, p.Thr2440= (NM_001354900.2); c.7266T>A, p.Thr2422= (NM_001354901.2); and 5 more.
Identifiers: ClinVar variation 236645 (VCV000236645.28), dbSNP rs147757080, ClinGen allele CA048049.